The following is an entry in ClinVar:

ClinVar aggregate classification (germline): Uncertain significance (1 of 4 stars; one submission).

Conditions:
Hereditary cancer-predisposing syndrome. Also called: Neoplastic Syndromes, Hereditary; Tumor predisposition; Hereditary Cancer Syndrome; Hereditary neoplastic syndrome. Identifiers: Orphanet 140162, MedGen C0027672, MeSH D009386, MONDO:0015356.

Submission:

Ambry Genetics
Classification: Uncertain significance for Hereditary cancer-predisposing syndrome. Last evaluated: 2020-08-27. Review status: criteria provided, single submitter. Criteria: Ambry Variant Classification Scheme 2023. Collection method: clinical testing. Allele origin: germline.
Comment: The p.P740Q variant (also known as c.2219C>A), located in coding exon 8 of the AXIN2 gene, results from a C to A substitution at nucleotide position 2219. The proline at codon 740 is replaced by glutamine, an amino acid with similar properties. This amino acid position is not well conserved in available vertebrate species. In addition, this alteration is predicted to be tolerated by in silico analysis. Since supporting evidence is limited at this time, the clinical significance of this alteration remains unclear.

NM_004655.4(AXIN2):c.2219C>A (p.Pro740Gln)

Gene: AXIN2 (axin 2; minus strand). Cytogenetic location: 17q24.1.
Variant type: single nucleotide variant.
Coding change: c.2219C>A on transcript NM_004655.4 (MANE Select); coding-DNA position 2219, C replaced by A.
Protein change: p.Pro740Gln; replaces proline 740 with glutamine.
Molecular consequence: missense variant.
Genome position (GRCh38, 1-based): chr17:65,535,644, G>T on the plus strand (C>A on the coding strand, the complement: AXIN2 is on the minus strand). VCF-style: chr17-65535644-G-T. GRCh37 (hg19) VCF-style: chr17-63531762-G-T.
Other names: c.2024C>A, p.Pro675Gln (NM_001363813.1); short protein forms P740Q, P675Q.
Identifiers: ClinVar variation 1787879 (VCV001787879.2), dbSNP rs747903181, ClinGen allele CA400675730.